The following is an entry in ClinVar:

ClinVar aggregate classification (germline): Uncertain significance (1 of 4 stars; one submission).

gnomAD v4.1: 1 of 1,613,898 alleles (0.000062%); no homozygotes.

Submission:

Labcorp Genetics (formerly Invitae), Labcorp
Classification: Uncertain significance. Last evaluated: 2022-10-03. Review status: criteria provided, single submitter. Criteria: Invitae Variant Classification Sherloc (09022015). Collection method: clinical testing. Allele origin: germline.
Comment: This variant has not been reported in the literature in individuals affected with DMXL2-related conditions. This variant is not present in population databases (gnomAD no frequency). This sequence change replaces phenylalanine, which is neutral and non-polar, with valine, which is neutral and non-polar, at codon 407 of the DMXL2 protein (p.Phe407Val). In summary, the available evidence is currently insufficient to determine the role of this variant in disease. Therefore, it has been classified as a Variant of Uncertain Significance. Algorithms developed to predict the effect of missense changes on protein structure and function are either unavailable or do not agree on the potential impact of this missense change (SIFT: "Tolerated"; PolyPhen-2: "Probably Damaging"; Align-GVGD: "Class C0").

NM_001378457.1(DMXL2):c.1219T>G (p.Phe407Val)

Gene: DMXL2 (Dmx like 2; minus strand). Cytogenetic location: 15q21.2.
Variant type: single nucleotide variant.
Coding change: c.1219T>G on transcript NM_001378457.1 (MANE Select); coding-DNA position 1219, T replaced by G.
Protein change: p.Phe407Val; replaces phenylalanine 407 with valine.
Molecular consequence: missense variant. On other transcripts: non-coding transcript variant (2), intron variant (1).
Genome position (GRCh38, 1-based): chr15:51,538,339, A>C on the plus strand (T>G on the coding strand, the complement: DMXL2 is on the minus strand). VCF-style: chr15-51538339-A-C. GRCh37 (hg19) VCF-style: chr15-51830536-A-C.
Other names: c.1219T>G, p.Phe407Val (NM_001174116.3, NM_001174117.3, NM_001378458.1 and 6 more transcripts); c.1106-580T>G (NM_001378464.1); short protein forms F407V.
Identifiers: ClinVar variation 1950610 (VCV001950610.5), dbSNP rs2548614711, ClinGen allele CA392468142.